The following is an entry in ClinVar:

NM_001081.4(CUBN):c.9208G>A (p.Val3070Ile)

Gene: CUBN (cubilin; minus strand). Cytogenetic location: 10p13.
Variant type: single nucleotide variant.
Coding change: c.9208G>A on transcript NM_001081.4 (MANE Select); coding-DNA position 9208, G replaced by A.
Protein change: p.Val3070Ile; replaces valine 3070 with isoleucine.
Molecular consequence: missense variant.
Genome position (GRCh38, 1-based): chr10:16,874,402, C>T on the plus strand (G>A on the coding strand, the complement: CUBN is on the minus strand). VCF-style: chr10-16874402-C-T. GRCh37 (hg19) VCF-style: chr10-16916401-C-T.
Other names: short protein forms V3070I.
Identifiers: ClinVar variation 1428738 (VCV001428738.6), dbSNP rs144314567, ClinGen allele CA5422786.

ClinVar aggregate classification (germline): Uncertain significance (1 of 4 stars; one submission).

Conditions:
Imerslund-Grasbeck syndrome. Also called: ENTEROCYTE COBALAMIN MALABSORPTION; ENTEROCYTE INTRINSIC FACTOR RECEPTOR, DEFECT OF; PERNICIOUS ANEMIA, JUVENILE, DUE TO SELECTIVE INTESTINAL MALABSORPTION OF VITAMIN B12, WITH PROTEINURIA; Megaloblastic anemia due to inborn errors of metabolism; Imerslund-Gräsbeck syndrome. Identifiers: Orphanet 35858, MedGen C4551825, MONDO:0009853.

Allele frequency attached by ClinVar (database versions not stated): gnomAD 0.00001 and 0.00002; TOPMed 0.00001; gnomAD exomes 0.00002 and 0.00004; ExAC 0.00004; ESP Exome Variant Server 0.00008.
gnomAD v4.1: 39 of 1,614,102 alleles (0.0024%); highest among the groups gnomAD compares: South Asian, 0.02%; no homozygotes.

Submission:

Labcorp Genetics (formerly Invitae), Labcorp
Classification: Uncertain significance for Imerslund-Grasbeck syndrome. Last evaluated: 2021-11-23. Review status: criteria provided, single submitter. Criteria: Invitae Variant Classification Sherloc (09022015). Collection method: clinical testing. Allele origin: germline.
Comment: In summary, the available evidence is currently insufficient to determine the role of this variant in disease. Therefore, it has been classified as a Variant of Uncertain Significance. Algorithms developed to predict the effect of missense changes on protein structure and function (SIFT, PolyPhen-2, Align-GVGD) all suggest that this variant is likely to be tolerated. This variant has not been reported in the literature in individuals affected with CUBN-related conditions. This variant is present in population databases (rs144314567, gnomAD 0.006%). This sequence change replaces valine, which is neutral and non-polar, with isoleucine, which is neutral and non-polar, at codon 3070 of the CUBN protein (p.Val3070Ile).